The following is an entry in ClinVar:

NM_001082486.2(ACD):c.763G>C (p.Asp255His)

Gene: ACD (ACD shelterin complex subunit and telomerase recruitment factor; minus strand). Cytogenetic location: 16q22.1.
Variant type: single nucleotide variant.
Coding change: c.763G>C on transcript NM_001082486.2 (MANE Select); coding-DNA position 763, G replaced by C.
Protein change: p.Asp255His; replaces aspartic acid 255 with histidine.
Molecular consequence: missense variant. On other transcripts: intron variant (1).
Genome position (GRCh38, 1-based): chr16:67,658,621, C>G on the plus strand (G>C on the coding strand, the complement: ACD is on the minus strand). VCF-style: chr16-67658621-C-G. GRCh37 (hg19) VCF-style: chr16-67692524-C-G.
Other names: c.754G>C, p.Asp252His (NM_022914.3); c.742+99G>C (NM_001410884.1); short protein forms D252H, D255H.
Identifiers: ClinVar variation 3480530 (VCV003480530.1).

ClinVar aggregate classification (germline): Uncertain significance (1 of 4 stars; one submission).

Conditions:
Inborn genetic diseases. Identifiers: MedGen C0950123, MeSH D030342.

Submission:

Ambry Genetics
Classification: Uncertain significance for Inborn genetic diseases. Last evaluated: 2024-11-05. Review status: criteria provided, single submitter. Criteria: Ambry Variant Classification Scheme 2023. Collection method: clinical testing. Allele origin: germline.
Comment: The p.D341H variant (also known as c.1021G>C), located in coding exon 9 of the ACD gene, results from a G to C substitution at nucleotide position 1021. The aspartic acid at codon 341 is replaced by histidine, an amino acid with similar properties. This amino acid position is conserved. In addition, this alteration is predicted to be tolerated by in silico analysis. Based on the available evidence, the clinical significance of this variant remains unclear.